The following is an entry in ClinVar:

NM_001040694.2(INCENP):c.1427G>T (p.Ser476Ile)

Gene: INCENP (inner centromere protein; plus strand). Cytogenetic location: 11q12.3.
Variant type: single nucleotide variant.
Coding change: c.1427G>T on transcript NM_001040694.2 (MANE Select); coding-DNA position 1427, G replaced by T.
Protein change: p.Ser476Ile; replaces serine 476 with isoleucine.
Molecular consequence: missense variant.
Genome position (GRCh38, 1-based): chr11:62,140,787, G>T. VCF-style: chr11-62140787-G-T. GRCh37 (hg19) VCF-style: chr11-61908259-G-T.
Other names: c.1427G>T, p.Ser476Ile (NM_020238.3); short protein forms S476I.
Identifiers: ClinVar variation 4678827 (VCV004678827.1).
Genomic context (GRCh38, chr11:62,140,787, plus strand): 5'-CCGTGAGTGAGCTGGACGAGGAGCAGCACCTGGAGGATGAGGAGCTGCAGCCCCCCAGGA[G>T]CAAGACCCCTTCCTCACCCTGCCCAGCCAGCAAGGTGAGCCAGGCACCTGCCCTCTCCTG-3'
Protein context (NP_001035784.1, residues 466-486): LEDEELQPPR[Ser476Ile]KTPSSPCPAS

ClinVar aggregate classification (germline): Uncertain significance (1 of 4 stars; one submission).

gnomAD v4.1: 3 of 1,612,390 alleles (0.00019%); highest among the groups gnomAD compares: Admixed American, 0.0033%; no homozygotes.

Submission:

Ambry Genetics
Classification: Uncertain significance. Last evaluated: 2025-11-11. Review status: criteria provided, single submitter. Criteria: Ambry Variant Classification Scheme 2023. Collection method: clinical testing. Allele origin: germline.
Comment: The c.1427G>T (p.S476I) alteration is located in exon 9 (coding exon 8) of the INCENP gene. This alteration results from a G to T substitution at nucleotide position 1427, causing the serine (S) at amino acid position 476 to be replaced by an isoleucine (I). Based on data from gnomAD, the T allele has an overall frequency of 0.001% (2/248652) total alleles studied. The highest observed frequency was 0.003% (1/34378) of Latino alleles. Based on insufficient or conflicting evidence, the clinical significance of this alteration remains unclear.